The following is an entry in ClinVar:

NM_005051.3(QARS1):c.818A>C (p.Asn273Thr)

Gene: QARS1 (glutaminyl-tRNA synthetase 1; minus strand). Cytogenetic location: 3p21.31.
Variant type: single nucleotide variant.
Coding change: c.818A>C on transcript NM_005051.3 (MANE Select); coding-DNA position 818, A replaced by C.
Protein change: p.Asn273Thr; replaces asparagine 273 with threonine.
Molecular consequence: missense variant. On other transcripts: non-coding transcript variant (1).
Genome position (GRCh38, 1-based): chr3:49,101,413, T>G on the plus strand (A>C on the coding strand, the complement: QARS1 is on the minus strand). VCF-style: chr3-49101413-T-G. GRCh37 (hg19) VCF-style: chr3-49138846-T-G.
Other names: c.785A>C, p.Asn262Thr (NM_001272073.2); c.818A>C (NM_005051.2); short protein forms N262T, N273T.
Identifiers: ClinVar variation 2853278 (VCV002853278.4), dbSNP rs200736711, ClinGen allele CA74475959.
Genomic context (GRCh38, chr3:49,101,413, plus strand): 5'-ACCTTGGCATAGCCAAAGTTGAAATTGATGGCTTTGGCATGTCCAATATGCAGGATTCCA[T>G]TGGGTTCTGGCGGGAACCGGGTACGTACCTAAAATAAGGGGGATGGGAAAAGAGAAATAA-3'
Protein context (NP_005042.1, residues 263-283): QVRTRFPPEP[Asn273Thr]GILHIGHAKA

ClinVar aggregate classification (germline): Uncertain significance. Review status: criteria provided, multiple submitters, no conflicts (2 of 4 stars). 2 submissions from 2 submitters: Uncertain significance (2). Last evaluated 2024-09-13.

Conditions:
Diffuse cerebral and cerebellar atrophy - intractable seizures - progressive microcephaly syndrome. Also called: Microcephaly, progressive, with seizures and cerebral and cerebellar atrophy. Identifiers: Orphanet 404437, MedGen C4014239, MONDO:0014335, OMIM 615760.

Submissions (2):

GeneDx
Classification: Uncertain significance. Last evaluated: 2024-09-13. Review status: criteria provided, single submitter. Criteria: GeneDx Variant Classification Process June 2021. Collection method: clinical testing. Allele origin: germline. Affected: yes.
Comment: Not observed at significant frequency in large population cohorts (gnomAD); In silico analysis supports that this missense variant has a deleterious effect on protein structure/function; Has not been previously published as pathogenic or benign to our knowledge; This variant is associated with the following publications: (PMID: 25471517)

Labcorp Genetics (formerly Invitae), Labcorp
Classification: Uncertain significance for Diffuse cerebral and cerebellar atrophy - intractable seizures - progressive microcephaly syndrome. Last evaluated: 2023-04-07. Review status: criteria provided, single submitter. Criteria: Invitae Variant Classification Sherloc (09022015). Collection method: clinical testing. Allele origin: germline.
Comment: In summary, the available evidence is currently insufficient to determine the role of this variant in disease. Therefore, it has been classified as a Variant of Uncertain Significance. Advanced modeling of protein sequence and biophysical properties (such as structural, functional, and spatial information, amino acid conservation, physicochemical variation, residue mobility, and thermodynamic stability) has been performed at Invitae for this missense variant, however the output from this modeling did not meet the statistical confidence thresholds required to predict the impact of this variant on QARS protein function. This variant has not been reported in the literature in individuals affected with QARS-related conditions. This variant is not present in population databases (gnomAD no frequency). This sequence change replaces asparagine, which is neutral and polar, with threonine, which is neutral and polar, at codon 273 of the QARS protein (p.Asn273Thr).